The following is an entry in ClinVar:

ClinVar aggregate classification (germline): Likely benign. Review status: criteria provided, multiple submitters, no conflicts (2 of 4 stars). 2 submissions from 2 submitters: Likely benign (2). Last evaluated 2025-07-14.

Allele frequency attached by ClinVar (database versions not stated): gnomAD 0.00005; ExAC 0.00002; TOPMed 0.00006; gnomAD exomes 0.00002.
gnomAD v4.1: 39 of 1,606,350 alleles (0.0024%); highest among the groups gnomAD compares: Non-Finnish European, 0.0033%; no homozygotes.

Submissions (2):

Labcorp Genetics (formerly Invitae), Labcorp
Classification: Likely benign. Last evaluated: 2025-07-14. Review status: criteria provided, single submitter. Criteria: Invitae Variant Classification Sherloc (09022015). Collection method: clinical testing. Allele origin: germline.

Women's Health and Genetics/Laboratory Corporation of America, LabCorp
Classification: Likely benign. Last evaluated: 2024-11-19. Review status: criteria provided, single submitter. Criteria: LabCorp Variant Classification Summary - May 2015. Collection method: clinical testing. Allele origin: germline.
Comment: Variant summary: DOCK6 c.5940-18C>T alters a non-conserved nucleotide located at a position not widely known to affect splicing. Consensus agreement among computation tools predict no significant impact on normal splicing. However, these predictions have yet to be confirmed by functional studies. The variant allele was found at a frequency of 3e-05 in 234138 control chromosomes (gnomAD). The available data on variant occurrences in the general population are insufficient to allow any conclusion about variant significance. To our knowledge, no occurrence of c.5940-18C>T in individuals affected with Adams-Oliver Syndrome 2 and no experimental evidence demonstrating its impact on protein function have been reported. ClinVar contains an entry for this variant (Variation ID: 2957623). Based on the evidence outlined above, the variant was classified as likely benign.

NM_020812.4(DOCK6):c.5940-18C>T

Gene: DOCK6 (dedicator of cytokinesis 6; minus strand). Cytogenetic location: 19p13.2.
Variant type: single nucleotide variant.
Coding change: c.5940-18C>T on transcript NM_020812.4 (MANE Select); 18 bases into the intron before coding-DNA position 5940, C replaced by T.
Molecular consequence: intron variant.
Genome position (GRCh38, 1-based): chr19:11,200,487, G>A on the plus strand (C>T on the coding strand, the complement: DOCK6 is on the minus strand). VCF-style: chr19-11200487-G-A. GRCh37 (hg19) VCF-style: chr19-11311163-G-A.
Other names: c.6045-18C>T (NM_001367830.1).
Identifiers: ClinVar variation 2957623 (VCV002957623.4), dbSNP rs777540404, ClinGen allele CA9206276.